The following is an entry in ClinVar:

ClinVar aggregate classification (germline): Pathogenic. Review status: reviewed by expert panel (3 of 4 stars). 7 submissions from 7 submitters: Pathogenic (1). 6 of the submissions do not count toward it. Last evaluated 2025-07-29.

Conditions:
Miyoshi muscular dystrophy 1 (MMD1). Identifiers: Orphanet 45448, MedGen C4551973, MONDO:0024545, OMIM 254130.
Autosomal recessive limb-girdle muscular dystrophy type 2B (LGMDR2). Also called: MUSCULAR DYSTROPHY, LIMB-GIRDLE, AUTOSOMAL RECESSIVE 2; MUSCULAR DYSTROPHY, LIMB-GIRDLE, TYPE 3; Limb-girdle muscular dystrophy, type 2B; Limb-Girdle Muscular Dystrophy Type 2B (LGMD2B). Identifiers: Orphanet 268, MedGen C1850889, MONDO:0009676, OMIM 253601.
Autosomal recessive limb-girdle muscular dystrophy. Identifiers: Orphanet 102015, MedGen C2931907, MONDO:0015152.
Neuromuscular disease caused by qualitative or quantitative defects of dysferlin. Also called: Qualitative or quantitative defects of dysferlin; Dysferlinopathy. Identifiers: Orphanet 207073, MedGen C2931687, MONDO:0016145.

Submissions (7):

ClinGen Limb Girdle Muscular Dystrophy Variant Curation Expert Panel, ClinGen
Classification: Pathogenic for Autosomal recessive limb-girdle muscular dystrophy. Last evaluated: 2025-07-29. Review status: reviewed by expert panel. Criteria: ClinGen LGMD VCEP ACMG Specifications DYSF V1.0.0. Collection method: curation. Allele origin: germline. Inheritance: Autosomal recessive inheritance.
Comment: The NM_003494.4: c.5022del p.(Phe1674LeufsTer48) variant in DYSF, which is also known as NM_001130987.2: c.5139del p.(Phe1713LeufsTer48), is a frameshift variant predicted to cause a premature stop codon in biologically relevant exon 46/55, leading to nonsense mediated decay in a gene in which loss of function is an established disease mechanism (PVS1). This variant has been reported in three individuals with features consistent with limb girdle muscular dystrophy (PMID: 14673575, 36983702, 23406536), including confirmed in trans with a likely pathogenic or pathogenic variant in two patients (NM_003494.4: c.4756C>T p.(Arg1586Ter), 1.0 pts, PMID: 14673575; NM_003494.4: c.6196G>A p.(Ala2066Thr), 1.0 pt, PMID: 36983702) (PM3_Strong). At least one patient with this variant had a clinical suspicion of LGMD and absent dysferlin protein expression in skeletal muscle, which is highly specific for DYSF-associated LGMD (PP4_Strong, PMID: 14673575). The filtering allele frequency of this variant is 0.000006973 in gnomAD v4.1.0 exomes (the upper threshold of the 95% CI of 3/1112010 European (non-Finnish) chromosomes) , which is less than the ClinGen LGMD VCEP threshold (≤0.0001) (PM2_Supporting). In summary, this variant meets the criteria to be classified as Pathogenic for autosomal recessive limb-girdle muscular dystrophy based on the ACMG/AMP criteria applied, as specified by the ClinGen LGMD VCEP (LGMD VCEP specifications version 1.0.0; 07/29/2025): PVS1, PM3_Strong, PP4_Strong, PM2_Supporting.

GeneDx
Classification: Pathogenic. Last evaluated: 2026-01-13. Review status: criteria provided, single submitter. Criteria: GeneDx Variant Classification Process June 2021. Collection method: clinical testing. Allele origin: germline. Affected: yes. Not counted in ClinVar's aggregate classification.
Comment: Frameshift variant predicted to result in protein truncation or nonsense mediated decay in a gene for which loss of function is a known mechanism of disease; Not observed at significant frequency in large population cohorts (gnomAD); This variant is associated with the following publications: (PMID: 23406536, 33610434, 14673575)

CeGaT Center for Human Genetics Tuebingen
Classification: Pathogenic. Last evaluated: 2024-07-01. Review status: criteria provided, single submitter. Criteria: CeGaT Center For Human Genetics Tuebingen Variant Classification Criteria Version 2. Collection method: clinical testing. Allele origin: germline. Affected: yes. Observed: 2 variant alleles. Not counted in ClinVar's aggregate classification.
Comment: DYSF: PVS1, PM3:Strong, PM2

Baylor Genetics
Classification: Pathogenic for Miyoshi muscular dystrophy 1. Last evaluated: 2024-02-20. Review status: criteria provided, single submitter. Criteria: ACMG Guidelines, 2015. Collection method: clinical testing. Allele origin: unknown. Not counted in ClinVar's aggregate classification.

Labcorp Genetics (formerly Invitae), Labcorp
Classification: Pathogenic for Neuromuscular disease caused by qualitative or quantitative defects of dysferlin. Last evaluated: 2023-02-01. Review status: criteria provided, single submitter. Criteria: Invitae Variant Classification Sherloc (09022015). Collection method: clinical testing. Allele origin: germline. Not counted in ClinVar's aggregate classification.
Comment: This variant is not present in population databases (gnomAD no frequency). This sequence change creates a premature translational stop signal (p.Phe1674Leufs*48) in the DYSF gene. It is expected to result in an absent or disrupted protein product. Loss-of-function variants in DYSF are known to be pathogenic (PMID: 17698709, 20301480). This premature translational stop signal has been observed in individual(s) with limb-girdle muscular dystrophy (PMID: 14673575). For these reasons, this variant has been classified as Pathogenic. ClinVar contains an entry for this variant (Variation ID: 374503). This variant is also known as 5393delT.

Eurofins Ntd Llc (ga)
Classification: Pathogenic. Last evaluated: 2017-03-04. Review status: criteria provided, single submitter. Criteria: EGL Classification Definitions 2015. Collection method: clinical testing. Allele origin: germline. Observed: 2 variant alleles, 2 homozygotes. Not counted in ClinVar's aggregate classification.

Counsyl
Classification: Pathogenic for Autosomal recessive limb-girdle muscular dystrophy type 2B. Last evaluated: 2018-02-21. Review status: no assertion criteria provided. Collection method: clinical testing. Allele origin: unknown. Not counted in ClinVar's aggregate classification.

Literature cited by the submitters: PubMed 17698709 (cited by Labcorp Genetics (formerly Invitae), Labcorp); PubMed 20301480 (cited by Labcorp Genetics (formerly Invitae), Labcorp); PubMed 14673575 (cited by Labcorp Genetics (formerly Invitae), Labcorp); PubMed 23406536 (cited by Counsyl).

NM_001130987.2(DYSF):c.5139del (p.Phe1713fs)

Gene: DYSF (dysferlin; plus strand). Cytogenetic location: 2p13.2.
Variant type: Deletion.
Coding change: c.5139del on transcript NM_001130987.2 (MANE Select); coding-DNA position 5139, one base deleted (T; older notation c.5139delT).
Protein change: p.Phe1713fs; shifts the reading frame from phenylalanine 1713.
Molecular consequence: frameshift variant.
Genome position (GRCh38, 1-based): chr2:71,664,403, T deleted; the last of 3 consecutive T bases (chr2:71,664,401-71,664,403); deleting any one gives the same sequence. VCF-style (leftmost placement, unchanged base first): chr2-71664400-GT-G. GRCh37 (hg19) VCF-style: chr2-71891530-GT-G.
Other names: NM_001130987.2(DYSF):c.5139del; p.Phe1713fs; c.5025del, p.Phe1675fs (NM_001130455.2); c.4980del, p.Phe1660fs (NM_001130976.2); c.5043del, p.Phe1681fs (NM_001130977.2); c.5085del, p.Phe1695fs (NM_001130978.2); c.5115del, p.Phe1705fs (NM_001130979.2); c.5073del, p.Phe1691fs (NM_001130980.2); and 8 more; short protein forms F1675fs, F1682fs, F1692fs, F1695fs, F1696fs, F1661fs, F1681fs, F1660fs.
Identifiers: ClinVar variation 374503 (VCV000374503.60), dbSNP rs1057519132, ClinGen allele CA16043769.